The following is an entry in ClinVar:

NM_213622.4(STAMBP):c.5_6dup (p.Asp3fs)

Genes: STAMBP (STAM binding protein; plus strand), LOC126806253 (CDK7 strongly-dependent group 2 enhancer GRCh37_chr2:74057585-74058784; plus strand). Cytogenetic location: 2p13.1.
Variant type: Duplication.
Coding change: c.5_6dup on transcript NM_213622.4 (MANE Select); coding-DNA positions 5 to 6, 2 bases duplicated (CT; older notation c.5_6dupCT).
Protein change: p.Asp3fs; shifts the reading frame from aspartic acid 3.
Molecular consequence: frameshift variant. On other transcripts: 5 prime UTR variant (5), non-coding transcript variant (4), intron variant (1).
Genome position (GRCh38, 1-based): chr2:73,830,861-73,830,862, CT duplicated; duplicating any 2 consecutive bases within chr2:73,830,860-73,830,862 gives the same sequence; the c. name uses the placement nearest the transcript's 3' end. VCF-style (leftmost placement, unchanged base first): chr2-73830859-G-GTC. GRCh37 (hg19) VCF-style: chr2-74057986-G-GTC.
Other names: c.5_6dup, p.Asp3fs (NM_001353967.2, NM_001353968.2, NM_001353969.2 and 3 more transcripts); c.-549_-548dup (NM_001353971.2, NM_001353973.2, NM_001353974.2 and 2 more transcripts); c.-203+1865_-203+1866dup (NM_001353972.2); c.5_6dupCT (NM_006463.6); short protein forms D3fs.
Identifiers: ClinVar variation 2637512 (VCV002637512.1), dbSNP rs2466263741, ClinGen allele CA2695200840.

ClinVar aggregate classification (germline): Pathogenic (1 of 4 stars; one submission).

Conditions:
Microcephaly-capillary malformation syndrome (MICCAP). Identifiers: Orphanet 294016, MedGen C3280296, MONDO:0013659, OMIM 614261.

Submission:

Women's Health and Genetics/Laboratory Corporation of America, LabCorp
Classification: Pathogenic for Microcephaly-capillary malformation syndrome. Last evaluated: 2023-10-03. Review status: criteria provided, single submitter. Criteria: LabCorp Variant Classification Summary - May 2015. Collection method: clinical testing. Allele origin: germline.
Comment: Variant summary: STAMBP c.5_6dupCT (p.Asp3LeufsX6) results in a premature termination codon, predicted to cause a truncation of the encoded protein or absence of the protein due to nonsense mediated decay, which are commonly known mechanisms for disease. The variant was absent in 250620 control chromosomes. To our knowledge, no occurrence of c.5_6dupCT in individuals affected with Microcephaly-Capillary Malformation Syndrome and no experimental evidence demonstrating its impact on protein function have been reported. No submitters have cited clinical-significance assessments for this variant to ClinVar after 2014. Based on the evidence outlined above, the variant was classified as pathogenic.